The following is an entry in ClinVar:

ClinVar aggregate classification (germline): Pathogenic/Likely pathogenic. Review status: criteria provided, multiple submitters, no conflicts (2 of 4 stars). 9 submissions from 9 submitters: Pathogenic (4); Likely pathogenic (4). 1 of the submissions does not count toward it. Last evaluated 2026-04-25.

Conditions:
PKHD1-related disorder. Also called: PKHD1-related condition.
Polycystic kidney disease 4 (PKD4). Also called: POLYCYSTIC KIDNEY DISEASE 4 WITH OR WITHOUT POLYCYSTIC LIVER DISEASE; Autosomal Recessive Polycystic Kidney Disease – PKHD1; POLYCYSTIC KIDNEY AND HEPATIC DISEASE 1; POLYCYSTIC KIDNEY DISEASE, INFANTILE, TYPE I; PKD3. Identifiers: MedGen C4540575, MONDO:0033004, OMIM 263200.
Autosomal recessive polycystic kidney disease (ARPKD). Also called: AR polycystic kidney disease. Identifiers: Orphanet 731, Orphanet 8378, MedGen C0085548, MeSH D017044, MONDO:0009889.

Allele frequency attached by ClinVar (database versions not stated): TOPMed below 0.00001; ExAC 0.00001; gnomAD exomes 0.00001 and 0.00002; gnomAD 0.00003.
gnomAD v4.1: 19 of 1,614,092 alleles (0.0012%); highest among the groups gnomAD compares: Admixed American, 0.005%; no homozygotes.

Submissions (9):

PreventionGenetics, part of Exact Sciences
Classification: Pathogenic for PKHD1-related condition. Last evaluated: 2026-04-25. Review status: criteria provided, single submitter. Criteria: ACMG Guidelines, 2015. Collection method: clinical testing. Allele origin: germline.
Comment: The PKHD1 c.983G>A variant is predicted to result in the amino acid substitution p.Arg328Gln. This variant has been reported in trans with a second pathogenic or suspected pathogenic PKHD1 variant in patients with autosomal recessive polycystic kidney disease (ARPKD) (Krall et al. 2014. PubMed ID: 24162162; Ishiko et al. 2021. PubMed ID: 34536170; Kumar et al. 2022. PubMed ID: 36065636). At PreventionGenetics, we have found this variant with a second pathogenic PKHD1 variant in presumably unrelated patients with ARPKD (internal data). This variant is reported in 0.0085% of alleles in individuals of Latino descent in gnomAD. This variant is interpreted as pathogenic.

Natera, Inc.
Classification: Pathogenic for Autosomal recessive polycystic kidney disease. Last evaluated: 2025-11-12. Review status: criteria provided, single submitter. Criteria: Natera Variant Classification Schema (03/2026). Collection method: clinical testing. Allele origin: germline.
Comment: The c.983G>A variant in PKHD1 is a missense variant predicted to cause substitution of arginine to glutamine at amino acid 328. This variant is rare in the general population with a frequency below the threshold expected for the associated phenotype(s). This variant has been observed in one or more individuals affected with the associated recessive disease, as either homozygous or compound heterozygous with a second variant (PMID: 34536170, 26695994, 36065636, 24162162, 29801666). A different variant at the same position has been determined to be Pathogenic or Likely Pathogenic. Computational prediction algorithms indicate this variant is likely to affect gene or protein function. Given the available evidence, this variant is classified as Pathogenic.

Women's Health and Genetics/Laboratory Corporation of America, LabCorp
Classification: Likely pathogenic for Autosomal recessive polycystic kidney disease. Last evaluated: 2025-06-06. Review status: criteria provided, single submitter. Criteria: LabCorp Variant Classification Summary - May 2015. Collection method: clinical testing. Allele origin: germline.
Comment: Variant summary: PKHD1 c.983G>A (p.Arg328Gln) results in a conservative amino acid change located in the IPT domain (IPR002909) of the encoded protein sequence. Algorithms developed to predict the effect of missense changes on protein structure and function are either unavailable or do not agree on the potential impact of this missense change. The variant allele was found at a frequency of 1.6e-05 in 251218 control chromosomes. c.983G>A has been observed in individual(s) affected with Polycystic Kidney And Hepatic Disease (example: Krall_2014,Bullich_2018, Kumar_2022, and Ishiko_2022). These data indicate that the variant is likely to be associated with disease. At least one publication reports experimental evidence evaluating an impact on protein function, however, the variant showed WT-like transcript and did not affect splicing in HEK293T cells via a mini-gene assay (Ishiko_2022). The following publications have been ascertained in the context of this evaluation (PMID: 29801666, 34536170, 24162162, 36065636). ClinVar contains an entry for this variant (Variation ID: 598347). Based on the evidence outlined above, the variant was classified as likely pathogenic.

Fulgent Genetics
Classification: Pathogenic for Polycystic kidney disease 4. Last evaluated: 2024-05-07. Review status: criteria provided, single submitter. Criteria: ACMG Guidelines, 2015. Collection method: clinical testing. Allele origin: germline.

Daryl Scott Lab, Baylor College of Medicine
Classification: Likely pathogenic for Polycystic kidney disease 4. Last evaluated: 2024-01-01. Review status: criteria provided, single submitter. Criteria: ACMG Guidelines, 2015. Collection method: clinical testing. Allele origin: maternal. Affected: yes. Observed: 1 heterozygote.
Comment: PS4, PM3_strong, PP3

GeneDx
Classification: Likely pathogenic. Last evaluated: 2023-12-08. Review status: criteria provided, single submitter. Criteria: GeneDx Variant Classification Process June 2021. Collection method: clinical testing. Allele origin: germline. Affected: yes.
Comment: Not observed at significant frequency in large population cohorts (gnomAD); In silico analysis supports that this missense variant has a deleterious effect on protein structure/function; This variant is associated with the following publications: (PMID: 34536170, 24162162, 36065636)

Labcorp Genetics (formerly Invitae), Labcorp
Classification: Pathogenic for Autosomal recessive polycystic kidney disease. Last evaluated: 2023-09-29. Review status: criteria provided, single submitter. Criteria: Invitae Variant Classification Sherloc (09022015). Collection method: clinical testing. Allele origin: germline.
Comment: This sequence change replaces arginine, which is basic and polar, with glutamine, which is neutral and polar, at codon 328 of the PKHD1 protein (p.Arg328Gln). This variant is present in population databases (rs770494581, gnomAD 0.009%). This missense change has been observed in individual(s) with polycystic kidney disease (PMID: 24162162, 34536170). In at least one individual the data is consistent with being in trans (on the opposite chromosome) from a pathogenic variant. ClinVar contains an entry for this variant (Variation ID: 598347). Advanced modeling of protein sequence and biophysical properties (such as structural, functional, and spatial information, amino acid conservation, physicochemical variation, residue mobility, and thermodynamic stability) performed at Invitae indicates that this missense variant is expected to disrupt PKHD1 protein function. RNA analysis performed to evaluate the impact of this missense change on mRNA splicing indicates it does not significantly alter splicing (PMID: 34536170). For these reasons, this variant has been classified as Pathogenic.

Baylor Genetics
Classification: Likely pathogenic for Polycystic kidney disease 4. Review status: criteria provided, single submitter. Criteria: ACMG Guidelines, 2015. Collection method: clinical testing. Allele origin: germline.

Eurofins Ntd Llc (ga)
Classification: Uncertain significance. Last evaluated: 2018-08-10. Review status: flagged submission. Criteria: EGL ClinVar v180209 classification definitions. Collection method: clinical testing. Allele origin: germline. Observed: 1 variant allele, 1 heterozygote. Not counted in ClinVar's aggregate classification.
ClinVar note: Reason: Older and outlier claim with insufficient supporting evidence

Literature cited by the submitters: PubMed 34536170 (cited by 3 submitters); PubMed 26695994 (cited by Natera, Inc.); PubMed 36065636 (cited by Natera, Inc. and Women's Health and Genetics/Laboratory Corporation of America, LabCorp); PubMed 24162162 (cited by 3 submitters); PubMed 29801666 (cited by Natera, Inc. and Women's Health and Genetics/Laboratory Corporation of America, LabCorp).

NM_138694.4(PKHD1):c.983G>A (p.Arg328Gln)

Gene: PKHD1 (PKHD1 ciliary IPT domain containing fibrocystin/polyductin; minus strand). Cytogenetic location: 6p12.2.
Variant type: single nucleotide variant.
Coding change: c.983G>A on transcript NM_138694.4 (MANE Select); coding-DNA position 983, G replaced by A.
Protein change: p.Arg328Gln; replaces arginine 328 with glutamine.
Molecular consequence: missense variant.
Genome position (GRCh38, 1-based): chr6:52,062,654, C>T on the plus strand (G>A on the coding strand, the complement: PKHD1 is on the minus strand). VCF-style: chr6-52062654-C-T. GRCh37 (hg19) VCF-style: chr6-51927452-C-T.
Other names: c.983G>A, p.Arg328Gln (NM_170724.3); c.983G>A (NM_170724.2); short protein forms R328Q.
Identifiers: ClinVar variation 598347 (VCV000598347.20), dbSNP rs770494581, ClinGen allele CA3853666.